The following is an entry in ClinVar:

NM_020937.4(FANCM):c.3683T>C (p.Phe1228Ser)

Gene: FANCM (FA complementation group M; plus strand). Cytogenetic location: 14q21.2.
Variant type: single nucleotide variant.
Coding change: c.3683T>C on transcript NM_020937.4 (MANE Select); coding-DNA position 3683, T replaced by C.
Protein change: p.Phe1228Ser; replaces phenylalanine 1228 with serine.
Molecular consequence: missense variant.
Genome position (GRCh38, 1-based): chr14:45,176,437, T>C. VCF-style: chr14-45176437-T-C. GRCh37 (hg19) VCF-style: chr14-45645640-T-C.
Other names: c.3605T>C, p.Phe1202Ser (NM_001308133.2); c.3683T>C (NM_020937.2); short protein forms F1202S, F1228S.
Identifiers: ClinVar variation 1019003 (VCV001019003.9), dbSNP rs1566765698, ClinGen allele CA389602573.
Genomic context (GRCh38, chr14:45,176,437, plus strand): 5'-GTGTACAGGAAGAAAAAGTGAAGAATCATGAGGATATTTTTGATTGCTCTAGGGATTTAT[T>C]TTCTGTTACCTTTGATTTAGGATTCTGTAGTCCAGATTCTGATGATGAAATATTGGAACA-3'
Protein context (NP_065988.1, residues 1218-1238): EDIFDCSRDL[Phe1228Ser]SVTFDLGFCS

ClinVar aggregate classification (germline): Uncertain significance. Review status: criteria provided, multiple submitters, no conflicts (2 of 4 stars). 3 submissions from 3 submitters: Uncertain significance (3). Last evaluated 2023-07-03.

Conditions:
Spermatogenic failure 28. Identifiers: MedGen C4748117, MONDO:0054732, OMIM 618086.
Premature ovarian failure 15. Identifiers: MedGen C4748170, MONDO:0054862, OMIM 618096.
Fanconi anemia (FA). Also called: Fanconi's anemia. Identifiers: Orphanet 84, MedGen C0015625, MeSH D005199, MONDO:0019391.

Allele frequency attached by ClinVar (database versions not stated): gnomAD exomes below 0.00001.
gnomAD v4.1: 8 of 1,613,090 alleles (0.0005%); highest among the groups gnomAD compares: Non-Finnish European, 0.00068%; no homozygotes.

Submissions (3):

GeneDx
Classification: Uncertain significance. Last evaluated: 2023-07-03. Review status: criteria provided, single submitter. Criteria: GeneDx Variant Classification Process June 2021. Collection method: clinical testing. Allele origin: germline.
Comment: Not observed at significant frequency in large population cohorts (gnomAD); In silico analysis supports that this missense variant has a deleterious effect on protein structure/function; Has not been previously published as pathogenic or benign to our knowledge

Fulgent Genetics
Classification: Uncertain significance for Spermatogenic failure 28; Premature ovarian failure 15. Last evaluated: 2021-11-03. Review status: criteria provided, single submitter. Criteria: ACMG Guidelines, 2015. Collection method: clinical testing. Allele origin: unknown.

Labcorp Genetics (formerly Invitae), Labcorp
Classification: Uncertain significance for Fanconi anemia. Last evaluated: 2021-03-07. Review status: criteria provided, single submitter. Criteria: Invitae Variant Classification Sherloc (09022015). Collection method: clinical testing. Allele origin: germline.
Comment: In summary, the available evidence is currently insufficient to determine the role of this variant in disease. Therefore, it has been classified as a Variant of Uncertain Significance. Algorithms developed to predict the effect of missense changes on protein structure and function are either unavailable or do not agree on the potential impact of this missense change (SIFT: "Deleterious"; PolyPhen-2: "Probably Damaging"; Align-GVGD: "Class C0"). This variant has not been reported in the literature in individuals with FANCM-related conditions. This variant is not present in population databases (ExAC no frequency). This sequence change replaces phenylalanine with serine at codon 1228 of the FANCM protein (p.Phe1228Ser). The phenylalanine residue is moderately conserved and there is a large physicochemical difference between phenylalanine and serine.